The following is an entry in ClinVar:

ClinVar aggregate classification (germline): Likely benign. Review status: criteria provided, multiple submitters, no conflicts (2 of 4 stars). 9 submissions from 9 submitters: Likely benign (9). Last evaluated 2026-01-26.

Conditions:
Breast-ovarian cancer, familial, susceptibility to, 2 (BROVCA2). Also called: BRCA2 Hereditary Breast and Ovarian Cancer. Identifiers: Orphanet 145, MedGen C2675520, MONDO:0012933, OMIM 612555. Disease mechanism: loss of function.
Fanconi anemia complementation group D1. Also called: BRCA2-Related Fanconi Anemia. Identifiers: Orphanet 319462, MedGen C1838457, MONDO:0011584, OMIM 605724.
Wilms tumor 1 (WT1). Also called: Wilms tumor, somatic. Identifiers: Orphanet 654, MedGen CN033288, MONDO:0008679, OMIM 194070.
Familial cancer of breast. Also called: BREAST CANCER, FAMILIAL; Hereditary breast cancer; hereditary breast carcinoma. Identifiers: Orphanet 227535, MedGen C0346153, MONDO:0016419, OMIM 114480. Disease mechanism: loss of function.
Medulloblastoma (MDB). Also called: Medulloblastoma, somatic; MEDULLOBLASTOMA PREDISPOSITION SYNDROME. Identifiers: Orphanet 616, MedGen C0025149, MeSH D008527, MONDO:0007959, OMIM 155255, HP:0002885.
Prostate cancer. Also called: Malignant tumor of prostate. Identifiers: Orphanet 1331, MedGen C0376358, MONDO:0008315, HP:0012125.
Pancreatic cancer, susceptibility to, 2. Identifiers: Orphanet 1333, MedGen C3150546, MONDO:0013235, OMIM 613347.
Glioma susceptibility 3 (GLM3). Also called: Glioblastoma 3. Identifiers: Orphanet 182067, Orphanet 360, MedGen C2751641, MONDO:0013093, OMIM 613029.
Hereditary cancer-predisposing syndrome. Also called: Neoplastic Syndromes, Hereditary; Hereditary Cancer Syndrome; Hereditary neoplastic syndrome; Tumor predisposition. Identifiers: Orphanet 140162, MedGen C0027672, MeSH D009386, MONDO:0015356.
Hereditary breast ovarian cancer syndrome. Also called: Hereditary breast and ovarian cancer syndrome; Breast and ovarian cancer; Hereditary breast and ovarian cancer syndrome (HBOC); Hereditary breast and/or ovarian cancer syndrome; Hereditary breast and ovarian cancer; BRCA1- and BRCA2-Associated Hereditary Breast and Ovarian Cancer. Identifiers: Orphanet 145, MedGen C0677776, MeSH D061325, MONDO:0003582. Disease mechanism: loss of function.

Allele frequency attached by ClinVar (database versions not stated): TOPMed 0.00001; gnomAD exomes 0.00001 and 0.00002.
gnomAD v4.1: 13 of 1,613,216 alleles (0.00081%); highest among the groups gnomAD compares: Middle Eastern, 0.017%; no homozygotes.

Submissions (9):

Labcorp Genetics (formerly Invitae), Labcorp
Classification: Likely benign for Hereditary breast ovarian cancer syndrome. Last evaluated: 2026-01-26. Review status: criteria provided, single submitter. Criteria: Invitae Variant Classification Sherloc (09022015). Collection method: clinical testing. Allele origin: germline.

Quest Diagnostics Nichols Institute San Juan Capistrano
Classification: Likely benign. Last evaluated: 2025-11-07. Review status: criteria provided, single submitter. Criteria: Quest Diagnostics criteria. Collection method: clinical testing. Allele origin: unknown.

Center for Genomic Medicine, Rigshospitalet, Copenhagen University Hospital
Classification: Likely benign. Last evaluated: 2025-03-04. Review status: criteria provided, single submitter. Criteria: ACMG Guidelines, 2015. Collection method: clinical testing. Allele origin: germline.

All of Us Research Program, National Institutes of Health
Classification: Likely benign for Breast-ovarian cancer, familial, susceptibility to, 2. Last evaluated: 2023-12-01. Review status: criteria provided, single submitter. Criteria: ACMG Guidelines, 2015. Collection method: clinical testing. Allele origin: germline. Inheritance: Autosomal dominant inheritance. Observed: 1 variant allele, 1 heterozygote.
Comment: This study involves interpretation of variants in research participants for the purpose of population health screening. Participant phenotype was not available at the time of variant classification. Additional details can be found in publication PMID: 35346344, PMCID: PMC8962531

Fulgent Genetics
Classification: Likely benign for Familial cancer of breast; Medulloblastoma; Familial prostate cancer; Wilms tumor 1; Fanconi anemia complementation group D1; Breast-ovarian cancer, familial, susceptibility to, 2; Glioma susceptibility 3; Pancreatic cancer, susceptibility to, 2. Last evaluated: 2021-07-20. Review status: criteria provided, single submitter. Criteria: ACMG Guidelines, 2015. Collection method: clinical testing. Allele origin: unknown.

Women's Health and Genetics/Laboratory Corporation of America, LabCorp
Classification: Likely benign. Last evaluated: 2020-10-03. Review status: criteria provided, single submitter. Criteria: LabCorp Variant Classification Summary - May 2015. Collection method: clinical testing. Allele origin: germline.

GeneDx
Classification: Likely benign. Last evaluated: 2017-12-14. Review status: criteria provided, single submitter. Criteria: GeneDx Variant Classification (06012015). Collection method: clinical testing. Allele origin: germline. Affected: yes.
Comment: This variant is considered likely benign or benign based on one or more of the following criteria: it is a conservative change, it occurs at a poorly conserved position in the protein, it is predicted to be benign by multiple in silico algorithms, and/or has population frequency not consistent with disease.

Color Diagnostics, LLC DBA Color Health
Classification: Likely benign for Hereditary cancer-predisposing syndrome. Last evaluated: 2017-01-17. Review status: criteria provided, single submitter. Criteria: ACMG Guidelines, 2015. Collection method: clinical testing. Allele origin: germline.

Ambry Genetics
Classification: Likely benign for Hereditary cancer-predisposing syndrome. Last evaluated: 2015-05-14. Review status: criteria provided, single submitter. Criteria: Ambry Variant Classification Scheme 2023. Collection method: clinical testing. Allele origin: germline.

NM_000059.4(BRCA2):c.7986G>A (p.Thr2662=)

Gene: BRCA2 (BRCA2 DNA repair associated; plus strand). Cytogenetic location: 13q13.1.
Variant type: single nucleotide variant.
Coding change: c.7986G>A on transcript NM_000059.4 (MANE Select); coding-DNA position 7986, G replaced by A.
Protein change: p.Thr2662=; no amino-acid change (threonine 2662 retained).
Molecular consequence: synonymous variant.
Genome position (GRCh38, 1-based): chr13:32,363,188, G>A. VCF-style: chr13-32363188-G-A. GRCh37 (hg19) VCF-style: chr13-32937325-G-A.
Identifiers: ClinVar variation 385943 (VCV000385943.25), dbSNP rs1057522378, ClinGen allele CA16606442.